The following is an entry in ClinVar:

NM_020800.3(IFT80):c.710G>A (p.Trp237Ter)

Genes: IFT80 (intraflagellar transport 80; minus strand), TRIM59-IFT80 (TRIM59-IFT80 readthrough (NMD candidate); minus strand). Cytogenetic location: 3q25.33.
Variant type: single nucleotide variant.
Coding change: c.710G>A on transcript NM_020800.3 (MANE Select); coding-DNA position 710, G replaced by A.
Protein change: p.Trp237Ter; replaces tryptophan 237 with a stop codon.
Molecular consequence: nonsense. On other transcripts: non-coding transcript variant (3).
Genome position (GRCh38, 1-based): chr3:160,356,080, C>T on the plus strand (G>A on the coding strand, the complement: IFT80 is on the minus strand). VCF-style: chr3-160356080-C-T. GRCh37 (hg19) VCF-style: chr3-160073868-C-T.
Other names: c.299G>A, p.Trp100Ter (NM_001190241.2, NM_001190242.2); short protein forms W237*, W100*.
Identifiers: ClinVar variation 343976 (VCV000343976.8), dbSNP rs201858128, ClinGen allele CA10615178.

ClinVar aggregate classification (germline): Pathogenic (1 of 4 stars; one submission).

Conditions:
Jeune thoracic dystrophy. Also called: Jeune syndrome; Infantile thoracic dystrophy; Thoracic pelvic phalangeal dystrophy; Jeune's syndrome; Chondroectodermal dysplasia-like syndrome; Short-rib thoracic dysplasia. Identifiers: Orphanet 474, MedGen C0265275, MONDO:0018770.

Allele frequency attached by ClinVar (database versions not stated): gnomAD exomes 0.00001.
gnomAD v4.1: 18 of 1,614,142 alleles (0.0011%); highest among the groups gnomAD compares: Non-Finnish European, 0.0015%; no homozygotes.

Submission:

Labcorp Genetics (formerly Invitae), Labcorp
Classification: Pathogenic for Jeune thoracic dystrophy. Last evaluated: 2024-05-21. Review status: criteria provided, single submitter. Criteria: Invitae Variant Classification Sherloc (09022015). Collection method: clinical testing. Allele origin: germline.
Comment: This sequence change creates a premature translational stop signal (p.Trp237*) in the IFT80 gene. It is expected to result in an absent or disrupted protein product. Loss-of-function variants in IFT80 are known to be pathogenic (PMID: 21227999, 23339108, 29068549). This variant is not present in population databases (gnomAD no frequency). This variant has not been reported in the literature in individuals affected with IFT80-related conditions. ClinVar contains an entry for this variant (Variation ID: 343976). For these reasons, this variant has been classified as Pathogenic.

Literature cited by the submitters: PubMed 21227999; PubMed 23339108; PubMed 29068549.